The following is an entry in ClinVar:

NM_003070.5(SMARCA2):c.683A>C (p.Gln228Pro)

Gene: SMARCA2 (SWI/SNF related BAF chromatin remodeling complex subunit ATPase 2; plus strand). Cytogenetic location: 9p24.3.
Variant type: single nucleotide variant.
Coding change: c.683A>C on transcript NM_003070.5 (MANE Select); coding-DNA position 683, A replaced by C.
Protein change: p.Gln228Pro; replaces glutamine 228 with proline.
Molecular consequence: missense variant.
Genome position (GRCh38, 1-based): chr9:2,039,793, A>C. VCF-style: chr9-2039793-A-C. GRCh37 (hg19) VCF-style: chr9-2039793-A-C.
Other names: p.Gln228Pro; c.683A>C, p.Gln228Pro (NM_001289396.2, NM_001289397.2, NM_139045.4); short protein forms Q228P.
Identifiers: ClinVar variation 126351 (VCV000126351.26), dbSNP rs62534884, ClinGen allele CA248690.

ClinVar aggregate classification (germline): Benign. Review status: criteria provided, multiple submitters, no conflicts (2 of 4 stars). 8 submissions from 8 submitters: Benign (8). Last evaluated 2026-01-05.

Conditions:
Inborn genetic diseases. Identifiers: MedGen C0950123, MeSH D030342.
Nicolaides-Baraitser syndrome (NCBRS). Also called: SMARCA2-Related Nicolaides-Baraitser Syndrome; Intellectual disability-sparse hair-brachydactyly syndrome. Identifiers: Orphanet 3051, MedGen C1303073, MONDO:0011053, OMIM 601358.

Allele frequency attached by ClinVar (database versions not stated): 1000 Genomes Project 0.02915; gnomAD 0.03925 and 0.03802; TOPMed 0.03794; ExAC 0.03897; gnomAD exomes 0.03998.
gnomAD v4.1: 76,161 of 1,595,690 alleles (4.8%); highest among the groups gnomAD compares: Middle Eastern, 6.5%; 1,950 homozygotes.

Submissions (8):

Labcorp Genetics (formerly Invitae), Labcorp
Classification: Benign. Last evaluated: 2026-01-05. Review status: criteria provided, single submitter. Criteria: Invitae Variant Classification Sherloc (09022015). Collection method: clinical testing. Allele origin: germline.

Mayo Clinic Laboratories, Mayo Clinic
Classification: Benign. Last evaluated: 2021-11-29. Review status: criteria provided, single submitter. Criteria: ACMG Guidelines, 2015. Collection method: clinical testing. Allele origin: germline. Observed: 21 variant alleles.

GeneDx
Classification: Benign. Last evaluated: 2018-07-31. Review status: criteria provided, single submitter. Criteria: GeneDx Variant Classification Process June 2021. Collection method: clinical testing. Allele origin: germline. Affected: yes.

Illumina Laboratory Services, Illumina
Classification: Benign for Nicolaides-Baraitser syndrome. Last evaluated: 2018-01-13. Review status: criteria provided, single submitter. Criteria: ICSL Variant Classification Criteria 13 December 2019. Collection method: clinical testing. Allele origin: germline.
Comment: This variant was observed in the ICSL laboratory as part of a predisposition screen in an ostensibly healthy population. It had not been previously curated by ICSL or reported in the Human Gene Mutation Database (HGMD: prior to June 1st, 2018), and was therefore a candidate for classification through an automated scoring system. Utilizing variant allele frequency, disease prevalence and penetrance estimates, and inheritance mode, an automated score was calculated to assess if this variant is too frequent to cause the disease. Based on the score and internal cut-off values, a variant classified as benign is not then subjected to further curation. The score for this variant resulted in a classification of benign for this disease.

Ambry Genetics
Classification: Benign for Inborn genetic diseases. Last evaluated: 2016-03-16. Review status: criteria provided, single submitter. Criteria: Ambry Variant Classification Scheme 2023. Collection method: clinical testing. Allele origin: germline.

Genomic Diagnostic Laboratory, Division of Genomic Diagnostics, Children's Hospital of Philadelphia
Classification: Benign. Last evaluated: 2014-12-31. Review status: criteria provided, single submitter. Criteria: DGD Variant Analysis Guidelines. Collection method: clinical testing. Allele origin: unknown.

Genetic Services Laboratory, University of Chicago
Classification: Benign for AllHighlyPenetrant. Last evaluated: 2013-08-15. Review status: criteria provided, single submitter. Criteria: ACMG Guidelines, 2007. Collection method: clinical testing. Allele origin: germline. Inheritance: Autosomal dominant inheritance. Observed: 15 variant alleles.

Breakthrough Genomics
Classification: Benign. Review status: criteria provided, single submitter. Criteria: ACMG Guidelines, 2015. Collection method: not provided. Allele origin: germline. Inheritance: Autosomal dominant inheritance. Affected: yes.